The following is an entry in ClinVar:

NM_005431.2(XRCC2):c.377T>A (p.Leu126Ter)

Gene: XRCC2 (X-ray repair cross complementing 2; minus strand). Cytogenetic location: 7q36.1.
Variant type: single nucleotide variant.
Coding change: c.377T>A on transcript NM_005431.2 (MANE Select); coding-DNA position 377, T replaced by A.
Protein change: p.Leu126Ter; replaces leucine 126 with a stop codon.
Molecular consequence: nonsense.
Genome position (GRCh38, 1-based): chr7:152,649,108, A>T on the plus strand (T>A on the coding strand, the complement: XRCC2 is on the minus strand). VCF-style: chr7-152649108-A-T. GRCh37 (hg19) VCF-style: chr7-152346193-A-T.
Other names: short protein forms L126*.
Identifiers: ClinVar variation 1503105 (VCV001503105.8), dbSNP rs1064794088, ClinGen allele CA16618433.

ClinVar aggregate classification (germline): Conflicting classifications of pathogenicity. Review status: criteria provided, conflicting classifications (1 of 4 stars). 2 submissions from 2 submitters: Likely pathogenic (1); Uncertain significance (1). Last evaluated 2022-12-28.

Conditions:
Hereditary cancer-predisposing syndrome. Also called: Hereditary neoplastic syndrome; Tumor predisposition; Neoplastic Syndromes, Hereditary; Hereditary Cancer Syndrome. Identifiers: Orphanet 140162, MedGen C0027672, MeSH D009386, MONDO:0015356.

Allele frequency attached by ClinVar (database versions not stated): gnomAD exomes below 0.00001.
gnomAD v4.1: 1 of 1,614,180 alleles (0.000062%); highest among the groups gnomAD compares: South Asian, 0.0011%; no homozygotes.

Submissions (2):

Labcorp Genetics (formerly Invitae), Labcorp
Classification: Uncertain significance. Last evaluated: 2022-12-28. Review status: criteria provided, single submitter. Criteria: Invitae Variant Classification Sherloc (09022015). Collection method: clinical testing. Allele origin: germline.
Comment: This sequence change creates a premature translational stop signal (p.Leu126*) in the XRCC2 gene. While this is not anticipated to result in nonsense mediated decay, it is expected to disrupt the last 155 amino acid(s) of the XRCC2 protein. In summary, the available evidence is currently insufficient to determine the role of this variant in disease. Therefore, it has been classified as a Variant of Uncertain Significance. Experimental studies and prediction algorithms are not available or were not evaluated, and the functional significance of this variant is currently unknown. ClinVar contains an entry for this variant (Variation ID: 1503105). This premature translational stop signal has been observed in individual(s) with breast cancer (PMID: 25452441). This variant is present in population databases (no rsID available, gnomAD 0.003%).

Ambry Genetics
Classification: Likely pathogenic for Hereditary cancer-predisposing syndrome. Last evaluated: 2021-12-07. Review status: criteria provided, single submitter. Criteria: Ambry Variant Classification Scheme 2023. Collection method: clinical testing. Allele origin: germline.
Comment: The p.L126* variant (also known as c.377T>A), located in coding exon 3 of the XRCC2 gene, results from a T to A substitution at nucleotide position 377. This changes the amino acid from a leucine to a stop codon within coding exon 3. This alteration occurs at the 3' terminus of theXRCC2 gene, is not expected to trigger nonsense-mediated mRNA decay, and impacts the last 155 amino acids of the protein. However, premature stop codons are typically deleterious in nature and a significant portion of the protein is affected (Ambry internal data). This alteration has been detected in 1/1824 patients with triple-negative breast cancer who were unselected for a family history of breast or ovarian cancer (Couch FJ et al. J Clin Oncol, 2015 Feb;33:304-11). Based on the majority of available evidence to date, this variant is likely to be pathogenic.

Literature cited by the submitters: PubMed 25452441 (cited by Labcorp Genetics (formerly Invitae), Labcorp and Ambry Genetics).